The following is an entry in ClinVar:

ClinVar aggregate classification (germline): Benign/Likely benign. Review status: criteria provided, multiple submitters, no conflicts (2 of 4 stars). 4 submissions from 4 submitters: Benign (2); Likely benign (2). Last evaluated 2025-07-17.

Conditions:
Factor XIII, b subunit, deficiency of. Also called: Factor XIII subunit B deficiency. Identifiers: Orphanet 331, MedGen C2750481, MONDO:0013190, OMIM 613235, HP:0040234.

Allele frequency attached by ClinVar (database versions not stated): gnomAD exomes 0.00203 and 0.00528; ExAC 0.00606; gnomAD 0.01531 and 0.01612; TOPMed 0.01615; 1000 Genomes Project 0.01637; ESP Exome Variant Server 0.01638; 1000 Genomes Project 30x 0.01718.
gnomAD v4.1: 5,441 of 1,613,206 alleles (0.34%); highest among the groups gnomAD compares: African/African-American, 4.9%; 109 homozygotes.

Submissions (4):

Mayo Clinic Laboratories, Mayo Clinic
Classification: Benign. Last evaluated: 2025-07-17. Review status: criteria provided, single submitter. Criteria: ACMG Guidelines, 2015. Collection method: clinical testing. Allele origin: germline. Observed: 1 variant allele.
Comment: BS1, BS2, BP4_moderate

Labcorp Genetics (formerly Invitae), Labcorp
Classification: Benign. Last evaluated: 2019-12-31. Review status: criteria provided, single submitter. Criteria: Invitae Variant Classification Sherloc (09022015). Collection method: clinical testing. Allele origin: germline.

Illumina Laboratory Services, Illumina
Classification: Likely benign for Factor XIII, b subunit, deficiency of. Last evaluated: 2018-01-12. Review status: criteria provided, single submitter. Criteria: ICSL Variant Classification Criteria 13 December 2019. Collection method: clinical testing. Allele origin: germline.
Comment: This variant was observed in the ICSL laboratory as part of a predisposition screen in an ostensibly healthy population. It had not been previously curated by ICSL or reported in the Human Gene Mutation Database (HGMD: prior to June 1st, 2018), and was therefore a candidate for classification through an automated scoring system. Utilizing variant allele frequency, disease prevalence and penetrance estimates, and inheritance mode, an automated score was calculated to assess if this variant is too frequent to cause the disease. Based on the score and internal cut-off values, a variant classified as likely benign is not then subjected to further curation. The score for this variant resulted in a classification of likely benign for this disease.

Breakthrough Genomics
Classification: Likely benign. Review status: criteria provided, single submitter. Criteria: ACMG Guidelines, 2015. Collection method: not provided. Allele origin: germline. Inheritance: Autosomal recessive inheritance. Affected: yes.

NM_001994.3(F13B):c.1707T>G (p.Asp569Glu)

Gene: F13B (coagulation factor XIII B chain; minus strand). Cytogenetic location: 1q31.3.
Variant type: single nucleotide variant.
Coding change: c.1707T>G on transcript NM_001994.3 (MANE Select); coding-DNA position 1707, T replaced by G.
Protein change: p.Asp569Glu; replaces aspartic acid 569 with glutamic acid.
Molecular consequence: missense variant.
Genome position (GRCh38, 1-based): chr1:197,050,728, A>C on the plus strand (T>G on the coding strand, the complement: F13B is on the minus strand). VCF-style: chr1-197050728-A-C. GRCh37 (hg19) VCF-style: chr1-197019858-A-C.
Other names: short protein forms D569E.
Identifiers: ClinVar variation 294572 (VCV000294572.11), dbSNP rs6000, ClinGen allele CA1308274.
Genomic context (GRCh38, chr1:197,050,728, plus strand): 5'-TTGTTAGAGGCATATTTAGTAGTACATACCTAAACACAATGGTGGTGTAGTCCACATTCC[A>C]TCTAAACAATAGGCCTCCCTAGATCCTTCTAGGAAATGGTGATCAAAACATCTGTATTCT-3'
Protein context (NP_001985.2, residues 559-579): LEGSREAYCL[Asp569Glu]GMWTTPPLCL